The following is an entry in ClinVar:

ClinVar aggregate classification (germline): Uncertain significance. Review status: criteria provided, multiple submitters, no conflicts (2 of 4 stars). 2 submissions from 2 submitters: Uncertain significance (2). Last evaluated 2026-01-16.

Conditions:
Bethlem myopathy 1A. Also called: MYOPATHY, BENIGN CONGENITAL, WITH CONTRACTURES; Bethlem myopathy 1; Bethlem Muscular Dystrophy. Identifiers: Orphanet 610, MedGen CN029274, MONDO:0024530, OMIM 158810.
Collagen 6-related myopathy. Identifiers: MedGen CN117976, MONDO:0100225.

Submissions (2):

Dasa
Classification: Uncertain significance for Collagen 6-related myopathy. Last evaluated: 2026-01-16. Review status: criteria provided, single submitter. Criteria: DASA Assertion Criteria. Collection method: clinical testing. Allele origin: germline.
Comment: NM_001849.4(COL6A2):c.1684C>A (p.Pro562Thr) is a missense variant that results in the substitution of proline with threonine. This variant is rare in population databases. The currently available literature and clinical evidence are not sufficient to establish a definitive association between this variant and the reported condition. Therefore, this variant is classified as a variant of uncertain significance.

Labcorp Genetics (formerly Invitae), Labcorp
Classification: Uncertain significance for Bethlem myopathy 1A. Last evaluated: 2021-08-11. Review status: criteria provided, single submitter. Criteria: Invitae Variant Classification Sherloc (09022015). Collection method: clinical testing. Allele origin: germline.
Comment: In summary, the available evidence is currently insufficient to determine the role of this variant in disease. Therefore, it has been classified as a Variant of Uncertain Significance. Advanced modeling of protein sequence and biophysical properties (such as structural, functional, and spatial information, amino acid conservation, physicochemical variation, residue mobility, and thermodynamic stability) performed at Invitae indicates that this missense variant is not expected to disrupt COL6A2 protein function. This variant has not been reported in the literature in individuals affected with COL6A2-related conditions. This variant is not present in population databases (ExAC no frequency). This sequence change replaces proline with threonine at codon 562 of the COL6A2 protein (p.Pro562Thr). The proline residue is moderately conserved and there is a small physicochemical difference between proline and threonine.

NM_001849.4(COL6A2):c.1684C>A (p.Pro562Thr)

Gene: COL6A2 (collagen type VI alpha 2 chain; plus strand). Cytogenetic location: 21q22.3.
Variant type: single nucleotide variant.
Coding change: c.1684C>A on transcript NM_001849.4 (MANE Select); coding-DNA position 1684, C replaced by A.
Protein change: p.Pro562Thr; replaces proline 562 with threonine.
Molecular consequence: missense variant.
Genome position (GRCh38, 1-based): chr21:46,124,663, C>A. VCF-style: chr21-46124663-C-A. GRCh37 (hg19) VCF-style: chr21-47544577-C-A.
Other names: c.1684C>A, p.Pro562Thr (NM_058174.3, NM_058175.3); short protein forms P562T.
Identifiers: ClinVar variation 1427223 (VCV001427223.10), dbSNP rs1035008109, ClinGen allele CA410535835.